The following is an entry in ClinVar:

NM_001040025.3(ARL16):c.-41G>T

Genes: ARL16 (ARF like GTPase 16; minus strand), LOC112533681 (Sharpr-MPRA regulatory region 13823; plus strand). Cytogenetic location: 17q25.3.
Variant type: single nucleotide variant.
Coding change: c.-41G>T on transcript NM_001040025.3 (MANE Select); 41 bases upstream of the start codon, G replaced by T.
Molecular consequence: 5 prime UTR variant. On other transcripts: non-coding transcript variant (1).
Genome position (GRCh38, 1-based): chr17:81,683,794, C>A on the plus strand (G>T on the coding strand, the complement: ARL16 is on the minus strand). VCF-style: chr17-81683794-C-A. GRCh37 (hg19) VCF-style: chr17-79650824-C-A.
Other names: c.-708G>T (NM_001329608.2).
Identifiers: ClinVar variation 208393 (VCV000208393.3), dbSNP rs863223352, ClinGen allele CA279870.
Genomic context (GRCh38, chr17:81,683,794, plus strand): 5'-GCCCCCAGCAGGAGACACATTCCGTGCTTCGCTCCACCCGGCACCCGTAGCTCGGCGCCG[C>A]GGCTCAAGGCCCGCCCACCGGCCACTCTCATTGGATAGTTCTCACCTTCGGACTTCTCAT-3'

ClinVar aggregate classification (germline): Likely pathogenic (1 of 4 stars; one submission).

Conditions:
Childhood-onset schizophrenia. Also called: Childhood schizophrenia. Identifiers: Orphanet 641496, MedGen C0036346, MONDO:0957430.

Submission:

Dr. Guy Rouleau's laboratory, McGill University
Classification: Likely pathogenic for Childhood Onset Schizophrenia. Last evaluated: 2014-01-01. Review status: criteria provided, single submitter. Criteria: Submitter's publication. Collection method: research. Allele origin: de novo. Affected: yes. Observed: 1 variant allele.
Comment: Identified by next generation sequencing and validated by Sanger sequencing